The following is an entry in ClinVar:

NM_000046.5(ARSB):c.750_754delinsCCTGAAG (p.Glu250fs)

Gene: ARSB (arylsulfatase B; minus strand). Cytogenetic location: 5q14.1.
Variant type: Indel.
Coding change: c.750_754delinsCCTGAAG on transcript NM_000046.5 (MANE Select); coding-DNA positions 750 to 754, ATACT replaced by CCTGAAG.
Protein change: p.Glu250fs; shifts the reading frame from glutamic acid 250.
Molecular consequence: frameshift variant.
Genome position (GRCh38, 1-based): chr5:78,955,439-78,955,443, AGTAT replaced by CTTCAGG on the plus strand (ATACT replaced by CCTGAAG on the coding strand, the reverse complement: ARSB is on the minus strand). VCF-style: chr5-78955439-AGTAT-CTTCAGG. GRCh37 (hg19) VCF-style: chr5-78251262-AGTAT-CTTCAGG.
Other names: c.750_754delinsCCTGAAG, p.Glu250fs (NM_198709.3); short protein forms E250fs.
Identifiers: ClinVar variation 559810 (VCV000559810.1), dbSNP rs1554086417, ClinGen allele CA658822929.

ClinVar aggregate classification (germline): Likely pathogenic (1 of 4 stars; one submission).

Conditions:
Mucopolysaccharidosis type 6 (MPS6). Also called: N-ACETYLGALACTOSAMINE-4-SULFATASE DEFICIENCY; MPS VI; MPS 6; Maroteaux Lamy syndrome; ARSB DEFICIENCY; ARYLSULFATASE B DEFICIENCY. Identifiers: Orphanet 583, MedGen C0026709, MONDO:0009661, OMIM 253200.

Submission:

Laboratory of Diagnosis and Therapy of Lysosomal Disorders, University of Padova
Classification: Likely pathogenic for Mucopolysaccharidosis type 6. Last evaluated: 2018-01-01. Review status: criteria provided, single submitter. Criteria: ACMG Guidelines, 2015. Collection method: curation. Allele origin: germline. Affected: yes.
Comment: Frameshift variant (PVS1); Absent from GnomAD (PM2)

Incorrectly reported by Jurecka (2011) Cent Eur J Med 6,163 as c.31091insCCTGAAG_delATACT. The reference sequence used by Jurecka likely is NC_000005.9

Literature cited by the submitters: PubMed 21917494; PubMed 22133300; PubMed 30118150.